The following is an entry in ClinVar:

NM_000059.4(BRCA2):c.4135C>T (p.Gln1379Ter)

Gene: BRCA2 (BRCA2 DNA repair associated; plus strand). Cytogenetic location: 13q13.1.
Variant type: single nucleotide variant.
Coding change: c.4135C>T on transcript NM_000059.4 (MANE Select); coding-DNA position 4135, C replaced by T.
Protein change: p.Gln1379Ter; replaces glutamine 1379 with a stop codon.
Molecular consequence: nonsense.
Genome position (GRCh38, 1-based): chr13:32,338,490, C>T. VCF-style: chr13-32338490-C-T. GRCh37 (hg19) VCF-style: chr13-32912627-C-T.
Other names: short protein forms Q1379*.
Identifiers: ClinVar variation 849711 (VCV000849711.9), dbSNP rs2072497088, ClinGen allele CA387779388.
Genomic context (GRCh38, chr13:32,338,490, plus strand): 5'-ACTGATCAGCACAACATATGTCTTAAATTATCTGGCCAGTTTATGAAGGAGGGAAACACT[C>T]AGATTAAAGAAGATTTGTCAGATTTAACTTTTTTGGAAGTTGCGAAAGCTCAAGAAGCAT-3'

ClinVar aggregate classification (germline): Pathogenic/Likely pathogenic. Review status: criteria provided, multiple submitters, no conflicts (2 of 4 stars). 2 submissions from 2 submitters: Pathogenic (1); Likely pathogenic (1). Last evaluated 2025-10-05.

Conditions:
Hereditary breast ovarian cancer syndrome. Also called: Hereditary breast and ovarian cancer syndrome; Breast and ovarian cancer; Hereditary breast and/or ovarian cancer syndrome; Hereditary breast and ovarian cancer; BRCA1- and BRCA2-Associated Hereditary Breast and Ovarian Cancer; Hereditary breast and ovarian cancer syndrome (HBOC). Identifiers: Orphanet 145, MedGen C0677776, MeSH D061325, MONDO:0003582. Disease mechanism: loss of function.
Familial cancer of breast. Also called: BREAST CANCER, FAMILIAL; Hereditary breast cancer; hereditary breast carcinoma. Identifiers: Orphanet 227535, MedGen C0346153, MONDO:0016419, OMIM 114480. Disease mechanism: loss of function.

Submissions (2):

Labcorp Genetics (formerly Invitae), Labcorp
Classification: Pathogenic for Hereditary breast ovarian cancer syndrome. Last evaluated: 2025-10-05. Review status: criteria provided, single submitter. Criteria: Invitae Variant Classification Sherloc (09022015). Collection method: clinical testing. Allele origin: germline.
Comment: This sequence change creates a premature translational stop signal (p.Gln1379*) in the BRCA2 gene. It is expected to result in an absent or disrupted protein product. Loss-of-function variants in BRCA2 are known to be pathogenic (PMID: 20104584). This variant is not present in population databases (gnomAD no frequency). This variant has not been reported in the literature in individuals affected with BRCA2-related conditions. ClinVar contains an entry for this variant (Variation ID: 849711). For these reasons, this variant has been classified as Pathogenic.

Baylor Genetics
Classification: Likely pathogenic for Familial cancer of breast. Last evaluated: 2024-03-27. Review status: criteria provided, single submitter. Criteria: ACMG Guidelines, 2015. Collection method: clinical testing. Allele origin: unknown.

Literature cited by the submitters: PubMed 20104584 (cited by Labcorp Genetics (formerly Invitae), Labcorp).